The following is an entry in ClinVar:

NM_001318852.2(MAPK8IP3):c.213C>A (p.Ser71Arg)

Gene: MAPK8IP3 (mitogen-activated protein kinase 8 interacting protein 3; plus strand). Cytogenetic location: 16p13.3.
Variant type: single nucleotide variant.
Coding change: c.213C>A on transcript NM_001318852.2 (MANE Select); coding-DNA position 213, C replaced by A.
Protein change: p.Ser71Arg; replaces serine 71 with arginine.
Molecular consequence: missense variant.
Genome position (GRCh38, 1-based): chr16:1,706,552, C>A. VCF-style: chr16-1706552-C-A. GRCh37 (hg19) VCF-style: chr16-1756553-C-A.
Other names: c.213C>A, p.Ser71Arg (NM_001040439.2, NM_015133.5, NM_033392.3); short protein forms S71R.
Identifiers: ClinVar variation 2502112 (VCV002502112.1), dbSNP rs2037396946, ClinGen allele CA394213409.

ClinVar aggregate classification (germline): Uncertain significance (1 of 4 stars; one submission).

Submission:

GeneDx
Classification: Uncertain significance. Last evaluated: 2022-11-10. Review status: criteria provided, single submitter. Criteria: GeneDx Variant Classification Process June 2021. Collection method: clinical testing. Allele origin: germline. Affected: yes.
Comment: Not observed at significant frequency in large population cohorts (gnomAD); In silico analysis supports that this missense variant does not alter protein structure/function; Has not been previously published as pathogenic or benign to our knowledge